The following is an entry in ClinVar:

NM_015001.3(SPEN):c.7706A>C (p.His2569Pro)

Gene: SPEN (spen family transcriptional repressor; plus strand). Cytogenetic location: 1p36.13.
Variant type: single nucleotide variant.
Coding change: c.7706A>C on transcript NM_015001.3 (MANE Select); coding-DNA position 7706, A replaced by C.
Protein change: p.His2569Pro; replaces histidine 2569 with proline.
Molecular consequence: missense variant.
Genome position (GRCh38, 1-based): chr1:15,933,946, A>C. VCF-style: chr1-15933946-A-C. GRCh37 (hg19) VCF-style: chr1-16260441-A-C.
Other names: short protein forms H2569P.
Identifiers: ClinVar variation 4084229 (VCV004084229.8).

ClinVar aggregate classification (germline): Uncertain significance (1 of 4 stars; one submission).

Submission:

CeGaT Center for Human Genetics Tuebingen
Classification: Uncertain significance. Last evaluated: 2025-08-01. Review status: criteria provided, single submitter. Criteria: CeGaT Center For Human Genetics Tuebingen Variant Classification Criteria Version 2. Collection method: clinical testing. Allele origin: germline. Affected: yes. Observed: 1 variant allele.
Comment: SPEN: PM2, BP4